The following is an entry in ClinVar:

ClinVar aggregate classification (germline): Conflicting classifications of pathogenicity. Review status: criteria provided, conflicting classifications (1 of 4 stars). 4 submissions from 4 submitters: Uncertain significance (3); Likely benign (1). Last evaluated 2026-05-08.

Conditions:
DICER1-related disorder. Also called: DICER1-related condition.
DICER1-related tumor predisposition. Also called: DICER1-related pleuropulmonary blastoma cancer predisposition syndrome; DICER1 syndrome. Identifiers: Orphanet 284343, MedGen C3839822, MONDO:0100216.
Hereditary cancer-predisposing syndrome. Also called: Neoplastic Syndromes, Hereditary; Tumor predisposition; Hereditary Cancer Syndrome; Hereditary neoplastic syndrome. Identifiers: Orphanet 140162, MedGen C0027672, MeSH D009386, MONDO:0015356.

Allele frequency attached by ClinVar (database versions not stated): gnomAD exomes below 0.00001; ExAC 0.00001; gnomAD 0.00001.
gnomAD v4.1: 2 of 1,614,068 alleles (0.00012%); highest among the groups gnomAD compares: Admixed American, 0.0033%; no homozygotes.

Submissions (4):

PreventionGenetics, part of Exact Sciences
Classification: Uncertain significance for DICER1-related condition. Last evaluated: 2026-05-08. Review status: criteria provided, single submitter. Criteria: ACMG Guidelines, 2015. Collection method: clinical testing. Allele origin: germline.
Comment: The DICER1 c.3466T>G variant is predicted to result in the amino acid substitution p.Leu1156Val. To our knowledge, this variant has not been reported in the literature. This variant is reported in 0.12% of alleles in individuals of Latino descent in gnomAD and has interpretations of uncertain significance and likely benign in ClinVar (Variation ID: 221054). Although we suspect that this variant may be benign, at this time, the clinical significance of this variant is uncertain due to the absence of conclusive functional and genetic evidence.

Labcorp Genetics (formerly Invitae), Labcorp
Classification: Uncertain significance for DICER1-related tumor predisposition. Last evaluated: 2026-02-03. Review status: criteria provided, single submitter. Criteria: Invitae Variant Classification Sherloc (09022015). Collection method: clinical testing. Allele origin: germline.
Comment: This sequence change replaces leucine, which is neutral and non-polar, with valine, which is neutral and non-polar, at codon 1156 of the DICER1 protein (p.Leu1156Val). This variant is present in population databases (rs760950917, gnomAD 0.003%). This variant has not been reported in the literature in individuals affected with DICER1-related conditions. ClinVar contains an entry for this variant (Variation ID: 221054). Invitae Evidence Modeling of protein sequence and biophysical properties (such as structural, functional, and spatial information, amino acid conservation, physicochemical variation, residue mobility, and thermodynamic stability) indicates that this missense variant is not expected to disrupt DICER1 protein function with a negative predictive value of 95%. In summary, the available evidence is currently insufficient to determine the role of this variant in disease. Therefore, it has been classified as a Variant of Uncertain Significance.

Ambry Genetics
Classification: Likely benign for Hereditary cancer-predisposing syndrome. Last evaluated: 2024-11-07. Review status: criteria provided, single submitter. Criteria: Ambry Variant Classification Scheme 2023. Collection method: clinical testing. Allele origin: germline.

GeneDx
Classification: Uncertain significance. Last evaluated: 2023-07-03. Review status: criteria provided, single submitter. Criteria: GeneDx Variant Classification Process June 2021. Collection method: clinical testing. Allele origin: germline. Affected: yes.
Comment: Not observed at significant frequency in large population cohorts (gnomAD); In silico analysis supports that this missense variant does not alter protein structure/function; Has not been previously published as pathogenic or benign to our knowledge

NM_177438.3(DICER1):c.3466T>G (p.Leu1156Val)

Gene: DICER1 (dicer 1, ribonuclease III; minus strand). Cytogenetic location: 14q32.13.
Variant type: single nucleotide variant.
Coding change: c.3466T>G on transcript NM_177438.3 (MANE Select); coding-DNA position 3466, T replaced by G.
Protein change: p.Leu1156Val; replaces leucine 1156 with valine.
Molecular consequence: missense variant.
Genome position (GRCh38, 1-based): chr14:95,103,930, A>C on the plus strand (T>G on the coding strand, the complement: DICER1 is on the minus strand). VCF-style: chr14-95103930-A-C. GRCh37 (hg19) VCF-style: chr14-95570267-A-C.
Other names: c.3466T>G, p.Leu1156Val (NM_001195573.1, NM_001271282.3, NM_001291628.2 and 1 more transcripts); short protein forms L1156V.
Identifiers: ClinVar variation 221054 (VCV000221054.18), dbSNP rs760950917, ClinGen allele CA350644.